The following is an entry in ClinVar:

ClinVar aggregate classification (germline): Pathogenic (1 of 4 stars; one submission).

Conditions:
Hereditary cancer-predisposing syndrome. Also called: Neoplastic Syndromes, Hereditary; Tumor predisposition; Hereditary neoplastic syndrome; Hereditary Cancer Syndrome. Identifiers: Orphanet 140162, MedGen C0027672, MeSH D009386, MONDO:0015356.

Submission:

Ambry Genetics
Classification: Pathogenic for Hereditary cancer-predisposing syndrome. Last evaluated: 2018-06-13. Review status: criteria provided, single submitter. Criteria: Ambry Variant Classification Scheme 2023. Collection method: clinical testing. Allele origin: germline.
Comment: The c.6941dupC pathogenic mutation, located in coding exon 12 of the BRCA2 gene, results from a duplication of C at nucleotide position 6941, causing a translational frameshift with a predicted alternate stop codon (p.I2315Nfs*25). This alteration is expected to result in loss of function by premature protein truncation or nonsense-mediated mRNA decay. As such, this alteration is interpreted as a disease-causing mutation.

NM_000059.4(BRCA2):c.6941dup (p.Ile2315fs)

Gene: BRCA2 (BRCA2 DNA repair associated; plus strand). Cytogenetic location: 13q13.1.
Variant type: Duplication.
Coding change: c.6941dup on transcript NM_000059.4 (MANE Select); coding-DNA position 6941, one base duplicated (C; older notation c.6941dupC).
Protein change: p.Ile2315fs; shifts the reading frame from isoleucine 2315.
Molecular consequence: frameshift variant.
Genome position (GRCh38, 1-based): chr13:32,346,830, C duplicated. VCF-style (leftmost placement, unchanged base first): chr13-32346829-A-AC. GRCh37 (hg19) VCF-style: chr13-32920966-A-AC.
Other names: short protein forms I2315fs.
Identifiers: ClinVar variation 826720 (VCV000826720.4), dbSNP rs1593913171, ClinGen allele CA915946860.